The following is an entry in ClinVar:

ClinVar aggregate classification (germline): Uncertain significance (1 of 4 stars; one submission).

Submission:

Labcorp Genetics (formerly Invitae), Labcorp
Classification: Uncertain significance. Last evaluated: 2022-12-31. Review status: criteria provided, single submitter. Criteria: Invitae Variant Classification Sherloc (09022015). Collection method: clinical testing. Allele origin: germline.
Comment: In summary, the available evidence is currently insufficient to determine the role of this variant in disease. Therefore, it has been classified as a Variant of Uncertain Significance. This sequence change replaces alanine, which is neutral and non-polar, with glycine, which is neutral and non-polar, at codon 101 of the DGAT1 protein (p.Ala101Gly). This variant is not present in population databases (gnomAD no frequency). This variant has not been reported in the literature in individuals affected with DGAT1-related conditions. Advanced modeling of protein sequence and biophysical properties (such as structural, functional, and spatial information, amino acid conservation, physicochemical variation, residue mobility, and thermodynamic stability) performed at Invitae indicates that this missense variant is not expected to disrupt DGAT1 protein function.

NM_012079.6(DGAT1):c.302C>G (p.Ala101Gly)

Gene: DGAT1 (diacylglycerol O-acyltransferase 1; minus strand). Cytogenetic location: 8q24.3.
Variant type: single nucleotide variant.
Coding change: c.302C>G on transcript NM_012079.6 (MANE Select); coding-DNA position 302, C replaced by G.
Protein change: p.Ala101Gly; replaces alanine 101 with glycine.
Molecular consequence: missense variant.
Genome position (GRCh38, 1-based): chr8:144,319,055, G>C on the plus strand (C>G on the coding strand, the complement: DGAT1 is on the minus strand). VCF-style: chr8-144319055-G-C. GRCh37 (hg19) VCF-style: chr8-145542718-G-C.
Other names: short protein forms A101G.
Identifiers: ClinVar variation 2825507 (VCV002825507.3), dbSNP rs1817365366, ClinGen allele CA372612914.